The following is an entry in ClinVar:

ClinVar aggregate classification (germline): Uncertain significance (1 of 4 stars; one submission).

Conditions:
Neurodevelopmental disorder with poor or absent speech, dysmorphic facies, and behavioral abnormalities. Also called: UMAIR-ALFADHEL NEURODEVELOPMENTAL DISORDER. Identifiers: MedGen C6012716, MONDO:0976285, OMIM 621182.

gnomAD v4.1: 227 of 1,614,100 alleles (0.014%); highest among the groups gnomAD compares: Non-Finnish European, 0.018%; no homozygotes.

Submission:

Clinical Genomics Laboratory, Washington University in St. Louis
Classification: Uncertain significance for Neurodevelopmental disorder with poor or absent speech, dysmorphic facies, and behavioral abnormalities. Last evaluated: 2025-01-20. Review status: criteria provided, single submitter. Criteria: ACMG Guidelines, 2015. Collection method: clinical testing. Allele origin: germline.
Comment: The NAV3 c.1727C>T (p.Ala576Val) variant, to our knowledge, has not been reported in the medical literature. The highest population minor allele frequency in the population database genome aggregation database (v.2.1.1) is 0.0124% in the European non-Finnish population. Computational predictors suggest that the variant does not impact NAV3 function. Due to limited information, and based on ACMG/AMP guidelines for variant interpretation (Richards S et al., PMID: 25741868), the clinical significance of this variant is uncertain at this time.

NM_001024383.2(NAV3):c.1727C>T (p.Ala576Val)

Gene: NAV3 (neuron navigator 3; plus strand). Cytogenetic location: 12q21.2.
Variant type: single nucleotide variant.
Coding change: c.1727C>T on transcript NM_001024383.2 (MANE Select); coding-DNA position 1727, C replaced by T.
Protein change: p.Ala576Val; replaces alanine 576 with valine.
Molecular consequence: missense variant.
Genome position (GRCh38, 1-based): chr12:78,007,265, C>T. VCF-style: chr12-78007265-C-T. GRCh37 (hg19) VCF-style: chr12-78401045-C-T.
Other names: c.1727C>T, p.Ala576Val (NM_014903.6); short protein forms A576V.
Identifiers: ClinVar variation 4279965 (VCV004279965.1).